The following is an entry in ClinVar:

NM_001367721.1(CASK):c.269T>C (p.Val90Ala)

Gene: CASK (calcium/calmodulin dependent serine protein kinase; minus strand). Cytogenetic location: Xp11.4.
Variant type: single nucleotide variant.
Coding change: c.269T>C on transcript NM_001367721.1 (MANE Select); coding-DNA position 269, T replaced by C.
Protein change: p.Val90Ala; replaces valine 90 with alanine.
Molecular consequence: missense variant.
Genome position (GRCh38, 1-based): chrX:41,787,187, A>G on the plus strand (T>C on the coding strand, the complement: CASK is on the minus strand). VCF-style: chrX-41787187-A-G. GRCh37 (hg19) VCF-style: chrX-41646440-A-G.
Other names: c.269T>C, p.Val90Ala (NM_001126054.3, NM_001126055.3, NM_001410745.1 and 1 more transcripts); short protein forms V90A.
Identifiers: ClinVar variation 1368746 (VCV001368746.8), dbSNP rs2147833052, ClinGen allele CA413002526.

ClinVar aggregate classification (germline): Uncertain significance (1 of 4 stars; one submission).

Conditions:
Intellectual disability, CASK-related, X-linked. Identifiers: MedGen CN043158.

Submission:

Labcorp Genetics (formerly Invitae), Labcorp
Classification: Uncertain significance for Intellectual disability, CASK-related, X-linked. Last evaluated: 2021-02-01. Review status: criteria provided, single submitter. Criteria: Invitae Variant Classification Sherloc (09022015). Collection method: clinical testing. Allele origin: germline.
Comment: This sequence change replaces valine with alanine at codon 90 of the CASK protein (p.Val90Ala). The valine residue is moderately conserved and there is a small physicochemical difference between valine and alanine. This variant is not present in population databases (ExAC no frequency). In summary, the available evidence is currently insufficient to determine the role of this variant in disease. Therefore, it has been classified as a Variant of Uncertain Significance. Algorithms developed to predict the effect of missense changes on protein structure and function are either unavailable or do not agree on the potential impact of this missense change (SIFT: "Deleterious"; PolyPhen-2: "Probably Damaging"; Align-GVGD: "Class C0"). This variant has been observed in individual(s) with clinical features of CASK-related conditions (Invitae).